The following is an entry in ClinVar:

NM_014363.6(SACS):c.5537del (p.Cys1846fs)

Gene: SACS (sacsin molecular chaperone; minus strand). Cytogenetic location: 13q12.12.
Variant type: Deletion.
Coding change: c.5537del on transcript NM_014363.6 (MANE Select); coding-DNA position 5537, one base deleted (G; older notation c.5537delG).
Protein change: p.Cys1846fs; shifts the reading frame from cysteine 1846.
Molecular consequence: frameshift variant.
Genome position (GRCh38, 1-based): chr13:23,338,339, C deleted on the plus strand (G on the coding strand, the reverse complement: SACS is on the minus strand). VCF-style (leftmost placement, unchanged base first): chr13-23338338-AC-A. GRCh37 (hg19) VCF-style: chr13-23912477-AC-A.
Other names: c.5096del, p.Cys1699fs (NM_001278055.2); c.5564del, p.Cys1855fs (NM_001437336.1); short protein forms C1699fs, C1846fs, C1855fs.
Identifiers: ClinVar variation 4815703 (VCV004815703.1).
Genomic context (GRCh38, chr13:23,338,338, plus strand): 5'-GTGTGGTTTCACTGTCCACTTCTGGTCCTGGATTTCTGACAGCTGAACTCCTACTGCCCC[AC>A]ATGGAACCAGTCCTAGTCTTCTTCCACTCTCACTCAGGGAAAACTTCAGAGCCTCTCCTG-3'

ClinVar aggregate classification (germline): Likely pathogenic (1 of 4 stars; one submission).

Conditions:
Charlevoix-Saguenay spastic ataxia (SACS). Also called: AUTOSOMAL RECESSIVE SPASTIC ATAXIA OF CHARLEVOIX-SAGUENAY; Spastic ataxia of Charlevoix-Saguenay; SPASTIC ATAXIA 6, AUTOSOMAL RECESSIVE. Identifiers: Orphanet 98, MedGen C1849140, MONDO:0010041, OMIM 270550.

Submission:

Natera, Inc.
Classification: Likely pathogenic for Charlevoix-Saguenay type spastic ataxia. Last evaluated: 2026-01-29. Review status: criteria provided, single submitter. Criteria: Natera Variant Classification Schema (03/2026). Collection method: clinical testing. Allele origin: germline.
Comment: The c.5537del variant in SACS is a frameshift variant predicted to shift the reading frame beginning at codon 1846 and leads to a stop codon 4 codons downstream. This variant is expected to result in nonsense mediated decay, truncation, or a dysfunctional protein product. This variant is rare in the general population with a frequency below the threshold expected for the associated phenotype(s). Given the available evidence, this variant is classified as Likely Pathogenic.